The following is an entry in ClinVar:

ClinVar aggregate classification (germline): Uncertain significance (1 of 4 stars; one submission).

Allele frequency attached by ClinVar (database versions not stated): gnomAD 0.00001.

Submission:

Ambry Genetics
Classification: Uncertain significance. Last evaluated: 2025-12-17. Review status: criteria provided, single submitter. Criteria: Ambry Variant Classification Scheme 2023. Collection method: clinical testing. Allele origin: germline.
Comment: The p.A90D variant (also known as c.269C>A), located in coding exon 1 of the EGLN1 gene, results from a C to A substitution at nucleotide position 269. The alanine at codon 90 is replaced by aspartic acid, an amino acid with dissimilar properties. This amino acid position is conserved. In addition, this alteration is predicted to be tolerated by in silico analysis. The evidence for this gene-disease relationship is limited; therefore, the clinical significance of this alteration is unclear.

NM_022051.3(EGLN1):c.269C>A (p.Ala90Asp)

Gene: EGLN1 (egl-9 family hypoxia inducible factor 1; minus strand). Cytogenetic location: 1q42.2.
Variant type: single nucleotide variant.
Coding change: c.269C>A on transcript NM_022051.3 (MANE Select); coding-DNA position 269, C replaced by A.
Protein change: p.Ala90Asp; replaces alanine 90 with aspartic acid.
Molecular consequence: missense variant.
Genome position (GRCh38, 1-based): chr1:231,421,620, G>T on the plus strand (C>A on the coding strand, the complement: EGLN1 is on the minus strand). VCF-style: chr1-231421620-G-T. GRCh37 (hg19) VCF-style: chr1-231557366-G-T.
Other names: c.269C>A, p.Ala90Asp (NM_001377260.1, NM_001377261.1); short protein forms A90D.
Identifiers: ClinVar variation 3227704 (VCV003227704.2), dbSNP rs1165235736, ClinGen allele CA345238151.